The following is an entry in ClinVar:

ClinVar aggregate classification (germline): Likely benign (0 of 4 stars; one submission).

Conditions:
XDH-related disorder. Also called: XDH-related condition.

Allele frequency attached by ClinVar (database versions not stated): gnomAD exomes below 0.00001; ExAC 0.00001; gnomAD 0.00001; 1000 Genomes Project 30x 0.00016; 1000 Genomes Project 0.00020.
gnomAD v4.1: 3 of 1,614,196 alleles (0.00019%); highest among the groups gnomAD compares: Admixed American, 0.0033%; no homozygotes.

Submission:

PreventionGenetics, part of Exact Sciences
Classification: Likely benign for XDH-related condition. Last evaluated: 2019-08-07. Review status: no assertion criteria provided. Collection method: clinical testing. Allele origin: germline.
Comment: This variant is classified as likely benign based on ACMG/AMP sequence variant interpretation guidelines (Richards et al. 2015 PMID: 25741868, with internal and published modifications).

NM_000379.4(XDH):c.2022C>T (p.Asp674=)

Gene: XDH (xanthine dehydrogenase; minus strand). Cytogenetic location: 2p23.1.
Variant type: single nucleotide variant.
Coding change: c.2022C>T on transcript NM_000379.4 (MANE Select); coding-DNA position 2022, C replaced by T.
Protein change: p.Asp674=; no amino-acid change (aspartic acid 674 retained).
Molecular consequence: synonymous variant.
Genome position (GRCh38, 1-based): chr2:31,368,619, G>A on the plus strand (C>T on the coding strand, the complement: XDH is on the minus strand). VCF-style: chr2-31368619-G-A. GRCh37 (hg19) VCF-style: chr2-31591485-G-A.
Identifiers: ClinVar variation 3034935 (VCV003034935.2), dbSNP rs185713366, ClinGen allele CA1598985.